The following is an entry in ClinVar:

NM_139343.3(BIN1):c.1461+1G>A

Gene: BIN1 (bridging integrator 1; minus strand). Cytogenetic location: 2q14.3.
Variant type: single nucleotide variant.
Coding change: c.1461+1G>A on transcript NM_139343.3 (MANE Select); the canonical splice donor site of the intron after coding-DNA position 1461, G replaced by A.
Molecular consequence: splice donor variant. On other transcripts: intron variant (3).
Genome position (GRCh38, 1-based): chr2:127,051,153, C>T on the plus strand (G>A on the coding strand, the complement: BIN1 is on the minus strand). VCF-style: chr2-127051153-C-T. GRCh37 (hg19) VCF-style: chr2-127808729-C-T.
Other names: c.1380+1G>A (NM_001320642.1); c.838-241G>A (NM_001320634.1); c.910-241G>A (NM_139351.3); c.999+1G>A (NM_139350.3); c.1107+1G>A (NM_139349.3); c.1128+1G>A (NM_139348.3); c.1236+1G>A (NM_139347.3); c.1368+1G>A (NM_001320641.2); and 7 more.
Identifiers: ClinVar variation 1001992 (VCV001001992.46), dbSNP rs764951306, ClinGen allele CA1857050.
Genomic context (GRCh38, chr2:127,051,153, plus strand): 5'-CCCCGGACAGGCAGGCGGGCGGCAGGGAGGAAAAGGCAGGGCTTTGTCCCTGCTGTCTTA[C>T]GGAGGCTGCTTCACTTGCCGCCGTCTCCCCTGGCTCCTGGGCTCCAGCCGCAGGTTGGGT-3'

ClinVar aggregate classification (germline): Conflicting classifications of pathogenicity. Review status: criteria provided, conflicting classifications (1 of 4 stars). 3 submissions from 3 submitters: Likely pathogenic (1); Uncertain significance (2). Last evaluated 2023-10-08.

Conditions:
Myopathy, centronuclear, 2 (CNM2). Also called: MYOTUBULAR MYOPATHY, AUTOSOMAL RECESSIVE. Identifiers: Orphanet 169186, MedGen CN031787, MONDO:0009709, OMIM 255200.

Allele frequency attached by ClinVar (database versions not stated): ExAC 0.00001; gnomAD 0.00001; gnomAD exomes 0.00001; TOPMed 0.00002.
gnomAD v4.1: 24 of 1,613,338 alleles (0.0015%); highest among the groups gnomAD compares: Admixed American, 0.0033%; no homozygotes.

Submissions (5):

Labcorp Genetics (formerly Invitae), Labcorp
Classification: Uncertain significance for Myopathy, centronuclear, 2. Last evaluated: 2023-10-08. Review status: criteria provided, single submitter. Criteria: Invitae Variant Classification Sherloc (09022015). Collection method: clinical testing. Allele origin: germline.
Comment: This sequence change affects a donor splice site in intron 16 of the BIN1 gene. It is expected to disrupt RNA splicing. Variants that disrupt the donor or acceptor splice site typically lead to a loss of protein function (PMID: 16199547), however the current clinical and genetic evidence is not sufficient to establish whether loss-of-function variants in BIN1 cause disease. This variant is present in population databases (rs764951306, gnomAD 0.006%). This variant has not been reported in the literature in individuals affected with BIN1-related conditions. ClinVar contains an entry for this variant (Variation ID: 1001992). Algorithms developed to predict the effect of sequence changes on RNA splicing suggest that this variant may disrupt the consensus splice site. In summary, the available evidence is currently insufficient to determine the role of this variant in disease. Therefore, it has been classified as a Variant of Uncertain Significance.

CeGaT Center for Human Genetics Tuebingen
Classification: Uncertain significance. Last evaluated: 2022-02-01. Review status: criteria provided, single submitter. Criteria: CeGaT Center For Human Genetics Tuebingen Variant Classification Criteria Version 2. Collection method: clinical testing. Allele origin: germline. Affected: yes. Observed: 3 variant alleles.

Revvity Omics, Revvity
Classification: Likely pathogenic for Myopathy, centronuclear, 2. Last evaluated: 2020-10-19. Review status: criteria provided, single submitter. Criteria: ACMG Guidelines, 2015. Collection method: clinical testing. Allele origin: germline.

Dr. Peter K. Rogan Lab, Western University
No classification provided (evidence only). Condition: Gastric cancer. Review status: no classification provided. Collection method: in vitro. Allele origin: not applicable. Functional consequence: retained intron. Not counted in ClinVar's aggregate classification.

Dr. Peter K. Rogan Lab, Western University
No classification provided (evidence only). Condition: Gastric cancer. Review status: no classification provided. Collection method: in vitro. Allele origin: not applicable. Functional consequence: skipped exon, retained intron. Not counted in ClinVar's aggregate classification.

Literature cited by the submitters: PubMed 16199547 (cited by Labcorp Genetics (formerly Invitae), Labcorp).